The following is an entry in ClinVar:

NC_000007.13:g.(?_33054342)_(33054463_?)del

Gene: NT5C3A (5'-nucleotidase, cytosolic IIIA; minus strand). Cytogenetic location: 7p14.3.
Variant type: Deletion.
Identifiers: ClinVar variation 3245919 (VCV003245919.1).

ClinVar aggregate classification (germline): Pathogenic (1 of 4 stars; one submission).

Submission:

Labcorp Genetics (formerly Invitae), Labcorp
Classification: Pathogenic. Last evaluated: 2023-05-15. Review status: criteria provided, single submitter. Criteria: Invitae Variant Classification Sherloc (09022015). Collection method: clinical testing. Allele origin: unknown.
Comment: For these reasons, this variant has been classified as Pathogenic. This variant disrupts a region of the NT5C3A protein in which other variant(s) (p.Gln282* ) have been determined to be pathogenic (PMID: 23139015). This suggests that this is a clinically significant region of the protein, and that variants that disrupt it are likely to be disease-causing. A similar copy number variant has been observed in individual(s) with pyrimidine 5' nucleotidase deficiency (Invitae). This variant is a gross deletion of the genomic region encompassing exon(s) 10 of the NT5C3A gene, which includes the termination codon. This deletion extends beyond the assayed region for this gene and therefore may encompass additional genes. While this deletion is not anticipated to lead to nonsense mediated decay, it is expected to alter mRNA translation or result in a truncated protein product.

Literature cited by the submitters: PubMed 23139015.